The following is an entry in ClinVar:

ClinVar aggregate classification (germline): Likely benign. Review status: criteria provided, multiple submitters, no conflicts (2 of 4 stars). 2 submissions from 2 submitters: Likely benign (2). Last evaluated 2026-01-27.

Conditions:
Familial cancer of breast. Also called: Hereditary breast cancer; BREAST CANCER, FAMILIAL; hereditary breast carcinoma. Identifiers: Orphanet 227535, MedGen C0346153, MONDO:0016419, OMIM 114480. Disease mechanism: loss of function.
Fanconi anemia complementation group J. Also called: BRIP1-Related Fanconi Anemia. Identifiers: Orphanet 84, MedGen C1836860, MONDO:0012187, OMIM 609054.

Submissions (2):

Labcorp Genetics (formerly Invitae), Labcorp
Classification: Likely benign for Familial cancer of breast; Fanconi anemia complementation group J. Last evaluated: 2026-01-27. Review status: criteria provided, single submitter. Criteria: Invitae Variant Classification Sherloc (09022015). Collection method: clinical testing. Allele origin: germline.

Myriad Genetics, Inc.
Classification: Likely benign for Familial cancer of breast. Last evaluated: 2024-09-03. Review status: criteria provided, single submitter. Criteria: Myriad Autosomal Dominant, Autosomal Recessive and X-Linked Classification Criteria (2023). Collection method: clinical testing. Allele origin: unknown.
Comment: This variant is considered likely benign. This variant is intronic and is not expected to impact mRNA splicing.

NM_032043.3(BRIP1):c.2098-3del

Gene: BRIP1 (BRCA1 interacting DNA helicase 1; minus strand). Cytogenetic location: 17q23.2.
Variant type: Deletion.
Coding change: c.2098-3del on transcript NM_032043.3 (MANE Select); 3 bases into the intron before coding-DNA position 2098, one base deleted (T; older notation c.2098-3delT).
Molecular consequence: intron variant.
Genome position (GRCh38, 1-based): chr17:61,744,594, A deleted on the plus strand (T on the coding strand, the reverse complement: BRIP1 is on the minus strand); the first of 3 consecutive A bases (chr17:61,744,594-61,744,596); deleting any one gives the same sequence. VCF-style (leftmost placement, unchanged base first): chr17-61744593-TA-T. GRCh37 (hg19) VCF-style: chr17-59821954-TA-T.
Identifiers: ClinVar variation 763304 (VCV000763304.11), dbSNP rs1603304671, ClinGen allele CA915950707.